The following is an entry in ClinVar:

ClinVar aggregate classification (germline): Uncertain significance (1 of 4 stars; one submission).

Conditions:
Hereditary cancer-predisposing syndrome. Also called: Hereditary Cancer Syndrome; Neoplastic Syndromes, Hereditary; Tumor predisposition; Hereditary neoplastic syndrome. Identifiers: Orphanet 140162, MedGen C0027672, MeSH D009386, MONDO:0015356.

Submission:

Ambry Genetics
Classification: Uncertain significance for Hereditary cancer-predisposing syndrome. Last evaluated: 2016-06-23. Review status: criteria provided, single submitter. Criteria: Ambry Variant Classification Scheme 2023. Collection method: clinical testing. Allele origin: germline.
Comment: The c.736_741delCCCCCTinsGTTGTGAAG variant, located in coding exon 7 of the PMS2 gene, results from an in-frame deletion of CCCCCT and insertion of GTTGTGAAG between nucleotide positions 736 and 741. This results in the removal of two proline residues and insertion of three residues, two valine and one lysine. This variant was not reported in population based cohorts in the following databases: Database of Single Nucleotide Polymorphisms (dbSNP), NHLBI Exome Sequencing Project (ESP), and 1000 Genomes Project. In the ESP, this variant was not observed in 6503 samples (13006 alleles) with coverage at this position. To date, this alteration has been detected with an allele frequency of approximately 0.001% (greater than 150000 alleles tested) in our clinical cohort. Since supporting evidence is limited at this time, the clinical significance of this alteration remains unclear.

NM_000535.7(PMS2):c.736_741delinsGTTGTGAAG (p.Pro246_Pro247delinsValValLys)

Gene: PMS2 (PMS1 homolog 2, mismatch repair system component; minus strand). Cytogenetic location: 7p22.1.
Variant type: Indel.
Coding change: c.736_741delinsGTTGTGAAG on transcript NM_000535.7 (MANE Select); coding-DNA positions 736 to 741, CCCCCT replaced by GTTGTGAAG.
Protein change: p.Pro246_Pro247delinsValValLys.
Molecular consequence: inframe indel. On other transcripts: 5 prime UTR variant (2), non-coding transcript variant (1).
Genome position (GRCh38, 1-based): chr7:5,997,388-5,997,393, AGGGGG replaced by CTTCACAAC on the plus strand (CCCCCT replaced by GTTGTGAAG on the coding strand, the reverse complement: PMS2 is on the minus strand). VCF-style: chr7-5997388-AGGGGG-CTTCACAAC. GRCh37 (hg19) VCF-style: chr7-6037019-AGGGGG-CTTCACAAC.
Other names: c.331_336delinsGTTGTGAAG, p.Pro111_Pro112delinsValValLys (NM_001322003.2, NM_001322004.2, NM_001322005.2 and 2 more transcripts); c.736_741delinsGTTGTGAAG, p.Pro246_Pro247delinsValValLys (NM_001322006.2, NM_001322014.2); c.418_423delinsGTTGTGAAG, p.Pro140_Pro141delinsValValLys (NM_001322007.2, NM_001322008.2); c.-198_-193delinsGTTGTGAAG (NM_001322011.2, NM_001322012.2); c.163_168delinsGTTGTGAAG, p.Pro55_Pro56delinsValValLys (NM_001322013.2); c.427_432delinsGTTGTGAAG, p.Pro143_Pro144delinsValValLys (NM_001322015.2).
Identifiers: ClinVar variation 480336 (VCV000480336.5), dbSNP rs267608150, ClinGen allele CA658657646.